The following is an entry in ClinVar:

ClinVar aggregate classification (germline): Pathogenic (1 of 4 stars; one submission).

Submission:

Labcorp Genetics (formerly Invitae), Labcorp
Classification: Pathogenic. Last evaluated: 2025-02-10. Review status: criteria provided, single submitter. Criteria: Invitae Variant Classification Sherloc (09022015). Collection method: clinical testing. Allele origin: germline.
Comment: This sequence change creates a premature translational stop signal (p.Ser318Cysfs*94) in the COL18A1 gene. It is expected to result in an absent or disrupted protein product. Loss-of-function variants in COL18A1 are known to be pathogenic (PMID: 12415512, 25456301). This variant is not present in population databases (gnomAD no frequency). This variant has not been reported in the literature in individuals affected with COL18A1-related conditions. For these reasons, this variant has been classified as Pathogenic.

Literature cited by the submitters: PubMed 12415512; PubMed 25456301.

NM_001379500.1(COL18A1):c.953_954del (p.Ser318fs)

Gene: COL18A1 (collagen type XVIII alpha 1 chain; plus strand). Cytogenetic location: 21q22.3.
Variant type: Deletion.
Coding change: c.953_954del on transcript NM_001379500.1 (MANE Select); coding-DNA positions 953 to 954, 2 bases deleted (CT; older notation c.953_954delCT).
Protein change: p.Ser318fs; shifts the reading frame from serine 318.
Molecular consequence: frameshift variant.
Genome position (GRCh38, 1-based): chr21:45,477,435-45,477,436, CT deleted; deleting any 2 consecutive bases within chr21:45,477,434-45,477,436 gives the same sequence; the c. name uses the placement nearest the transcript's 3' end. VCF-style (leftmost placement, unchanged base first): chr21-45477433-TTC-T. GRCh37 (hg19) VCF-style: chr21-46897347-TTC-T.
Other names: c.1493_1494del, p.Ser498fs (NM_030582.4); c.2198_2199del, p.Ser733fs (NM_130444.3); short protein forms S318fs, S498fs, S733fs.
Identifiers: ClinVar variation 4712694 (VCV004712694.1).